The following is an entry in ClinVar:

NM_018127.7(ELAC2):c.1348G>T (p.Ala450Ser)

Gene: ELAC2 (elaC ribonuclease Z 2; minus strand). Cytogenetic location: 17p12.
Variant type: single nucleotide variant.
Coding change: c.1348G>T on transcript NM_018127.7 (MANE Select); coding-DNA position 1348, G replaced by T.
Protein change: p.Ala450Ser; replaces alanine 450 with serine.
Molecular consequence: missense variant.
Genome position (GRCh38, 1-based): chr17:13,000,231, C>A on the plus strand (G>T on the coding strand, the complement: ELAC2 is on the minus strand). VCF-style: chr17-13000231-C-A. GRCh37 (hg19) VCF-style: chr17-12903548-C-A.
Other names: c.1228G>T, p.Ala410Ser (NM_001165962.2); c.1345G>T, p.Ala449Ser (NM_173717.2); short protein forms A410S, A449S, A450S.
Identifiers: ClinVar variation 2002144 (VCV002002144.1), dbSNP rs1439392412, ClinGen allele CA398224978.

ClinVar aggregate classification (germline): Uncertain significance (1 of 4 stars; one submission).

Conditions:
Combined oxidative phosphorylation defect type 17. Also called: Combined oxidative phosphorylation deficiency 17. Identifiers: Orphanet 369913, MedGen C3809526, MONDO:0014190, OMIM 615440.

Allele frequency attached by ClinVar (database versions not stated): gnomAD exomes below 0.00001.

Submission:

Labcorp Genetics (formerly Invitae), Labcorp
Classification: Uncertain significance for Combined oxidative phosphorylation defect type 17. Last evaluated: 2022-06-03. Review status: criteria provided, single submitter. Criteria: Invitae Variant Classification Sherloc (09022015). Collection method: clinical testing. Allele origin: germline.
Comment: This sequence change replaces alanine, which is neutral and non-polar, with serine, which is neutral and polar, at codon 450 of the ELAC2 protein (p.Ala450Ser). This variant is present in population databases (no rsID available, gnomAD 0.007%). This variant has not been reported in the literature in individuals affected with ELAC2-related conditions. Algorithms developed to predict the effect of missense changes on protein structure and function are either unavailable or do not agree on the potential impact of this missense change (SIFT: "Tolerated"; PolyPhen-2: "Probably Damaging"; Align-GVGD: "Class C0"). In summary, the available evidence is currently insufficient to determine the role of this variant in disease. Therefore, it has been classified as a Variant of Uncertain Significance.